The following is an entry in ClinVar:

ClinVar aggregate classification (germline): Uncertain significance (1 of 4 stars; one submission).

Conditions:
Intellectual disability, autosomal recessive 53 (NEDHSCA). Also called: NEURODEVELOPMENTAL DISORDER WITH OR WITHOUT HYPOTONIA, SEIZURES, AND CEREBELLAR ATROPHY; GLYCOSYLPHOSPHATIDYLINOSITOL BIOSYNTHESIS DEFECT 13; Mental retardation, autosomal recessive 53. Identifiers: Orphanet 488635, MedGen C4310794, MONDO:0014832, OMIM 616917.

gnomAD v4.1: 16 of 1,614,058 alleles (0.00099%); highest among the groups gnomAD compares: South Asian, 0.0055%; no homozygotes.

Submission:

Labcorp Genetics (formerly Invitae), Labcorp
Classification: Uncertain significance for Intellectual disability, autosomal recessive 53. Last evaluated: 2024-03-20. Review status: criteria provided, single submitter. Criteria: Invitae Variant Classification Sherloc (09022015). Collection method: clinical testing. Allele origin: germline.
Comment: This sequence change replaces valine, which is neutral and non-polar, with isoleucine, which is neutral and non-polar, at codon 562 of the PIGG protein (p.Val562Ile). This variant is present in population databases (rs747534317, gnomAD 0.01%). This variant has not been reported in the literature in individuals affected with PIGG-related conditions. Advanced modeling of protein sequence and biophysical properties (such as structural, functional, and spatial information, amino acid conservation, physicochemical variation, residue mobility, and thermodynamic stability) performed at Invitae indicates that this missense variant is not expected to disrupt PIGG protein function with a negative predictive value of 80%. In summary, the available evidence is currently insufficient to determine the role of this variant in disease. Therefore, it has been classified as a Variant of Uncertain Significance.

NM_001127178.3(PIGG):c.1684G>A (p.Val562Ile)

Gene: PIGG (phosphatidylinositol glycan anchor biosynthesis class G (EMM blood group); plus strand). Cytogenetic location: 4p16.3.
Variant type: single nucleotide variant.
Coding change: c.1684G>A on transcript NM_001127178.3 (MANE Select); coding-DNA position 1684, G replaced by A.
Protein change: p.Val562Ile; replaces valine 562 with isoleucine.
Molecular consequence: missense variant. On other transcripts: non-coding transcript variant (7).
Genome position (GRCh38, 1-based): chr4:523,528, G>A. VCF-style: chr4-523528-G-A. GRCh37 (hg19) VCF-style: chr4-517317-G-A.
Other names: c.1417G>A, p.Val473Ile (NM_001289051.2, NM_001345986.2); c.1285G>A, p.Val429Ile (NM_001289052.2); c.1393G>A, p.Val465Ile (NM_001345987.2); c.655G>A, p.Val219Ile (NM_001345988.2); c.151G>A, p.Val51Ile (NM_001345990.2, NM_001345991.2); c.586G>A, p.Val196Ile (NM_001345994.2); c.1660G>A, p.Val554Ile (NM_017733.5); short protein forms V219I, V465I, V51I, V554I, V562I, V196I, V473I, V429I.
Identifiers: ClinVar variation 3719102 (VCV003719102.2).